The following is an entry in ClinVar:

NM_032043.3(BRIP1):c.1940G>A (p.Trp647Ter)

Gene: BRIP1 (BRCA1 interacting DNA helicase 1; minus strand). Cytogenetic location: 17q23.2.
Variant type: single nucleotide variant.
Coding change: c.1940G>A on transcript NM_032043.3 (MANE Select); coding-DNA position 1940, G replaced by A.
Protein change: p.Trp647Ter; replaces tryptophan 647 with a stop codon.
Molecular consequence: nonsense.
Genome position (GRCh38, 1-based): chr17:61,776,558, C>T on the plus strand (G>A on the coding strand, the complement: BRIP1 is on the minus strand). VCF-style: chr17-61776558-C-T. GRCh37 (hg19) VCF-style: chr17-59853919-C-T.
Other names: short protein forms W647*.
Identifiers: ClinVar variation 491423 (VCV000491423.7), dbSNP rs1555601203, ClinGen allele CA400478643.

ClinVar aggregate classification (germline): Pathogenic. Review status: criteria provided, multiple submitters, no conflicts (2 of 4 stars). 2 submissions from 2 submitters: Pathogenic (2). Last evaluated 2024-10-29.

Conditions:
Hereditary cancer-predisposing syndrome. Also called: Tumor predisposition; Neoplastic Syndromes, Hereditary; Hereditary Cancer Syndrome; Hereditary neoplastic syndrome. Identifiers: Orphanet 140162, MedGen C0027672, MeSH D009386, MONDO:0015356.
Fanconi anemia complementation group J. Also called: BRIP1-Related Fanconi Anemia. Identifiers: Orphanet 84, MedGen C1836860, MONDO:0012187, OMIM 609054.
Familial cancer of breast. Also called: BREAST CANCER, FAMILIAL; hereditary breast carcinoma; Hereditary breast cancer. Identifiers: Orphanet 227535, MedGen C0346153, MONDO:0016419, OMIM 114480. Disease mechanism: loss of function.

Submissions (2):

Labcorp Genetics (formerly Invitae), Labcorp
Classification: Pathogenic for Familial cancer of breast; Fanconi anemia complementation group J. Last evaluated: 2024-10-29. Review status: criteria provided, single submitter. Criteria: Invitae Variant Classification Sherloc (09022015). Collection method: clinical testing. Allele origin: germline.
Comment: This sequence change creates a premature translational stop signal (p.Trp647*) in the BRIP1 gene. It is expected to result in an absent or disrupted protein product. Loss-of-function variants in BRIP1 are known to be pathogenic (PMID: 16116423, 17033622, 21964575). This variant is not present in population databases (gnomAD no frequency). This premature translational stop signal has been observed in individual(s) with ovarian cancer (PMID: 28888541). ClinVar contains an entry for this variant (Variation ID: 491423). For these reasons, this variant has been classified as Pathogenic.

Color Diagnostics, LLC DBA Color Health
Classification: Pathogenic for Hereditary cancer-predisposing syndrome. Last evaluated: 2021-10-18. Review status: criteria provided, single submitter. Criteria: ACMG Guidelines, 2015. Collection method: clinical testing. Allele origin: germline.
Comment: This variant changes 1 nucleotide in exon 14 of the BRIP1 gene, creating a premature translation stop signal. This variant is expected to result in an absent or non-functional protein product. To our knowledge, this variant has not been reported in individuals affected with hereditary cancer in the literature. This variant has not been identified in the general population by the Genome Aggregation Database (gnomAD). Loss of BRIP1 function is a known mechanism of disease. Based on the available evidence, this variant is classified as Pathogenic.

Literature cited by the submitters: PubMed 16116423 (cited by Labcorp Genetics (formerly Invitae), Labcorp); PubMed 17033622 (cited by Labcorp Genetics (formerly Invitae), Labcorp); PubMed 21964575 (cited by Labcorp Genetics (formerly Invitae), Labcorp); PubMed 28888541 (cited by Labcorp Genetics (formerly Invitae), Labcorp).